The following is an entry in ClinVar:

ClinVar aggregate classification (germline): Uncertain significance (1 of 4 stars; one submission).

Conditions:
Hereditary cancer-predisposing syndrome. Also called: Neoplastic Syndromes, Hereditary; Tumor predisposition; Hereditary neoplastic syndrome; Hereditary Cancer Syndrome. Identifiers: Orphanet 140162, MedGen C0027672, MeSH D009386, MONDO:0015356.

gnomAD v4.1: 1 of 1,612,944 alleles (0.000062%); highest among the groups gnomAD compares: Non-Finnish European, 0.000085%; no homozygotes.

Submission:

Ambry Genetics
Classification: Uncertain significance for Hereditary cancer-predisposing syndrome. Last evaluated: 2026-07-07. Review status: criteria provided, single submitter. Criteria: Ambry Variant Classification Scheme 2023. Collection method: clinical testing. Allele origin: germline.
Comment: The p.Y1115C variant (also known as c.3344A>G), located in coding exon 21 of the PTCH1 gene, results from an A to G substitution at nucleotide position 3344. The tyrosine at codon 1115 is replaced by cysteine, an amino acid with highly dissimilar properties. This amino acid position is conserved. In addition, the in silico prediction for this alteration is inconclusive. Based on the available evidence, the clinical significance of this variant remains unclear.

NM_000264.5(PTCH1):c.3542A>G (p.Tyr1181Cys)

Gene: PTCH1 (patched 1; minus strand). Cytogenetic location: 9q22.32.
Variant type: single nucleotide variant.
Coding change: c.3542A>G on transcript NM_000264.5 (MANE Select); coding-DNA position 3542, A replaced by G.
Protein change: p.Tyr1181Cys; replaces tyrosine 1181 with cysteine.
Molecular consequence: missense variant. On other transcripts: non-coding transcript variant (1).
Genome position (GRCh38, 1-based): chr9:95,449,848, T>C on the plus strand (A>G on the coding strand, the complement: PTCH1 is on the minus strand). VCF-style: chr9-95449848-T-C. GRCh37 (hg19) VCF-style: chr9-98212130-T-C.
Other names: c.3344A>G, p.Tyr1115Cys (NM_001083602.3); c.3539A>G, p.Tyr1180Cys (NM_001083603.3); c.3089A>G, p.Tyr1030Cys (NM_001083604.3, NM_001083605.3, NM_001083606.3 and 1 more transcripts); c.3386A>G, p.Tyr1129Cys (NM_001354918.2); short protein forms Y1030C, Y1181C, Y1115C, Y1129C, Y1180C.
Identifiers: ClinVar variation 5027502 (VCV005027502.1).